The following is an entry in ClinVar:

ClinVar aggregate classification (germline): Uncertain significance. Review status: criteria provided, multiple submitters, no conflicts (2 of 4 stars). 2 submissions from 2 submitters: Uncertain significance (2). Last evaluated 2023-08-01.

Submissions (2):

GeneDx
Classification: Uncertain significance. Last evaluated: 2023-08-01. Review status: criteria provided, single submitter. Criteria: GeneDx Variant Classification Process June 2021. Collection method: clinical testing. Allele origin: germline. Affected: yes.
Comment: Not observed at significant frequency in large population cohorts (gnomAD); In silico analysis supports that this missense variant has a deleterious effect on protein structure/function; This variant is associated with the following publications: (PMID: 10446110, 26221609)

Broad Center for Mendelian Genomics, Broad Institute of MIT and Harvard
Classification: Uncertain significance. Last evaluated: 2020-01-22. Review status: criteria provided, single submitter. Criteria: ACMG Guidelines, 2015. Collection method: curation. Allele origin: germline.
Comment: The p.Cys89Tyr variant in SMAD3 has been reported in 2 Chinese individuals with aneursyms-osteoarthritis syndrome, segregated with disease in 2 affected relatives from 1 family (PMID: 26221609), and was absent from large population studies. The p.Cys89Tyr variant has also been reported to be unassociated with juvenile polyposis syndrome (PMID: 10446110). Computational prediction tools and conservation analyses suggest that this variant may impact the protein, though this information is not predictive enough to determine pathogenicity. This variant affects a Cysteine at position 89, which is within a beta-pleated sheet of the protein (PMID: 10446110). The number of missense variants reported in SMAD3 in the general population is lower than expected, suggesting there is little benign variation in this gene and slightly increasing the possibility that a missense variant in this gene may not be tolerated. In summary, while there is some suspicion for a pathogenic role, the clinical significance of this variant is uncertain. ACMG/AMP Criteria applied: PM2, PP2, PP3 (Richards 2015).

NM_005902.4(SMAD3):c.266G>A (p.Cys89Tyr)

Gene: SMAD3 (SMAD family member 3; plus strand). Cytogenetic location: 15q22.33.
Variant type: single nucleotide variant.
Coding change: c.266G>A on transcript NM_005902.4 (MANE Select); coding-DNA position 266, G replaced by A.
Protein change: p.Cys89Tyr; replaces cysteine 89 with tyrosine.
Molecular consequence: missense variant. On other transcripts: 5 prime UTR variant (1).
Genome position (GRCh38, 1-based): chr15:67,164,954, G>A. VCF-style: chr15-67164954-G-A. GRCh37 (hg19) VCF-style: chr15-67457292-G-A.
Other names: c.-50G>A (NM_001145102.2); c.134G>A, p.Cys45Tyr (NM_001145103.2); c.266G>A (NM_005902.3); short protein forms C89Y, C45Y.
Identifiers: ClinVar variation 972789 (VCV000972789.3), dbSNP rs1962535460, ClinGen allele CA392953872.